The following is an entry in ClinVar:

ClinVar aggregate classification (germline): Uncertain significance (1 of 4 stars; one submission).

gnomAD v4.1: 5 of 1,612,764 alleles (0.00031%); highest among the groups gnomAD compares: Admixed American, 0.0017%; no homozygotes.

Submission:

Labcorp Genetics (formerly Invitae), Labcorp
Classification: Uncertain significance. Last evaluated: 2025-10-14. Review status: criteria provided, single submitter. Criteria: Invitae Variant Classification Sherloc (09022015). Collection method: clinical testing. Allele origin: germline.
Comment: This sequence change replaces proline, which is neutral and non-polar, with threonine, which is neutral and polar, at codon 897 of the ADAMTSL4 protein (p.Pro897Thr). This variant is present in population databases (no rsID available, gnomAD 0.0009%). This variant has not been reported in the literature in individuals affected with ADAMTSL4-related conditions. ClinVar contains an entry for this variant (Variation ID: 1715612). Invitae Evidence Modeling of protein sequence and biophysical properties (such as structural, functional, and spatial information, amino acid conservation, physicochemical variation, residue mobility, and thermodynamic stability) has been performed for this missense variant. However, the output from this modeling did not meet the statistical confidence thresholds required to predict the impact of this variant on ADAMTSL4 protein function. In summary, the available evidence is currently insufficient to determine the role of this variant in disease. Therefore, it has been classified as a Variant of Uncertain Significance.

NM_019032.6(ADAMTSL4):c.2689C>A (p.Pro897Thr)

Gene: ADAMTSL4 (ADAMTS like 4; plus strand). Cytogenetic location: 1q21.2.
Variant type: single nucleotide variant.
Coding change: c.2689C>A on transcript NM_019032.6 (MANE Select); coding-DNA position 2689, C replaced by A.
Protein change: p.Pro897Thr; replaces proline 897 with threonine.
Molecular consequence: missense variant.
Genome position (GRCh38, 1-based): chr1:150,559,091, C>A. VCF-style: chr1-150559091-C-A. GRCh37 (hg19) VCF-style: chr1-150531567-C-A.
Other names: c.2572C>A, p.Pro858Thr (NM_001288607.2); c.2758C>A, p.Pro920Thr (NM_001288608.2); c.2689C>A, p.Pro897Thr (NM_001378596.1); short protein forms P858T, P897T, P920T.
Identifiers: ClinVar variation 1715612 (VCV001715612.5), dbSNP rs753155445, ClinGen allele CA342316181.